The following is an entry in ClinVar:

NM_004104.5(FASN):c.592G>A (p.Val198Met)

Gene: FASN (fatty acid synthase; minus strand). Cytogenetic location: 17q25.3.
Variant type: single nucleotide variant.
Coding change: c.592G>A on transcript NM_004104.5 (MANE Select); coding-DNA position 592, G replaced by A.
Protein change: p.Val198Met; replaces valine 198 with methionine.
Molecular consequence: missense variant.
Genome position (GRCh38, 1-based): chr17:82,093,282, C>T on the plus strand (G>A on the coding strand, the complement: FASN is on the minus strand). VCF-style: chr17-82093282-C-T. GRCh37 (hg19) VCF-style: chr17-80051158-C-T.
Other names: short protein forms V198M.
Identifiers: ClinVar variation 582277 (VCV000582277.9), dbSNP rs777202040, ClinGen allele CA8853478.

ClinVar aggregate classification (germline): Uncertain significance. Review status: criteria provided, multiple submitters, no conflicts (2 of 4 stars). 2 submissions from 2 submitters: Uncertain significance (2). Last evaluated 2025-06-05.

Conditions:
Epileptic encephalopathy. Identifiers: MedGen C0543888, HP:0200134.

Allele frequency attached by ClinVar (database versions not stated): TOPMed 0.00004; gnomAD 0.00004 and 0.00003.
gnomAD v4.1: 20 of 1,596,368 alleles (0.0013%); highest among the groups gnomAD compares: African/African-American, 0.011%; no homozygotes.

Submissions (2):

Labcorp Genetics (formerly Invitae), Labcorp
Classification: Uncertain significance for Epileptic encephalopathy. Last evaluated: 2025-06-05. Review status: criteria provided, single submitter. Criteria: Invitae Variant Classification Sherloc (09022015). Collection method: clinical testing. Allele origin: germline.
Comment: This sequence change replaces valine, which is neutral and non-polar, with methionine, which is neutral and non-polar, at codon 198 of the FASN protein (p.Val198Met). The frequency data for this variant in the population databases is considered unreliable, as metrics indicate poor data quality at this position in the gnomAD database. This variant has not been reported in the literature in individuals affected with FASN-related conditions. ClinVar contains an entry for this variant (Variation ID: 582277). An algorithm developed to predict the effect of missense changes on protein structure and function (PolyPhen-2) suggests that this variant is likely to be disruptive. In summary, the available evidence is currently insufficient to determine the role of this variant in disease. Therefore, it has been classified as a Variant of Uncertain Significance.

Ambry Genetics
Classification: Uncertain significance. Last evaluated: 2021-08-30. Review status: criteria provided, single submitter. Criteria: Ambry Variant Classification Scheme 2023. Collection method: clinical testing. Allele origin: germline.